The following is an entry in ClinVar:

NM_000127.3(EXT1):c.1053_1056+1del

Gene: EXT1 (exostosin glycosyltransferase 1; minus strand). Cytogenetic location: 8q24.11.
Variant type: Deletion.
Coding change: c.1053_1056+1del on transcript NM_000127.3 (MANE Select); coding-DNA position 1053 through the canonical splice donor site of the intron after coding-DNA position 1056, 5 bases deleted (GCAGG; older notation c.1053_1056+1delGCAGG).
Molecular consequence: splice donor variant.
Genome position (GRCh38, 1-based): chr8:117,837,107-117,837,111, CCTGC deleted on the plus strand (GCAGG on the coding strand, the reverse complement: EXT1 is on the minus strand). VCF-style (leftmost placement, unchanged base first): chr8-117837106-ACCTGC-A. GRCh37 (hg19) VCF-style: chr8-118849345-ACCTGC-A.
Other names: c.1053_1056+1delGCAGG (NM_000127.2).
Identifiers: ClinVar variation 569431 (VCV000569431.7), dbSNP rs1563575654, ClinGen allele CA891843291.
Genomic context (GRCh38, chr8:117,837,106, plus strand): 5'-AAACCCACTTAATCTGGCTTCGGTCCTCAGCCCTATTCTGGGAAGGCTCCAGGGCCTCTT[ACCTGC>A]AAAGCCTCCAGGAATCTGAAGGACCCAAGCCTGCGACCACGAGGAACCAGACAGAAAGTG-3'

ClinVar aggregate classification (germline): Pathogenic (1 of 4 stars; one submission).

Conditions:
Multiple congenital exostosis (EXT). Also called: Multiple exostoses; Hereditary multiple exostoses; Hereditary multiple exostosis; Hereditary multiple osteochondromas; MULTIPLE CARTILAGINOUS EXOSTOSES; Multiple osteochondromas. Identifiers: Orphanet 321, MedGen C0015306, MONDO:0005508, HP:0002762.

Submission:

Labcorp Genetics (formerly Invitae), Labcorp
Classification: Pathogenic for Multiple congenital exostosis. Last evaluated: 2018-05-17. Review status: criteria provided, single submitter. Criteria: Invitae Variant Classification Sherloc (09022015). Collection method: clinical testing. Allele origin: germline.
Comment: This sequence change affects a donor splice site in intron 2 of the EXT1 gene. It is expected to disrupt RNA splicing and likely results in an absent or disrupted protein product. This variant is not present in population databases (ExAC no frequency). This variant has not been reported in the literature in individuals with EXT1-related disease. A different variant affecting this donor splice site (c.1056+1G>A) has been determined to be pathogenic (PMID: 9150727, 1816274, 17041877, 15586175, 17301954). This suggests that this nucleotide is important for normal RNA splicing, and that other variants at this position may also be pathogenic. Donor and acceptor splice site variants typically lead to a loss of protein function (PMID: 16199547), and loss-of-function variants in EXT1 are known to be pathogenic (PMID: 10679937, 11391482, 19810120). For these reasons, this variant has been classified as Pathogenic.

Literature cited by the submitters: PubMed 9150727; PubMed 1816274; PubMed 17041877; PubMed 15586175; PubMed 17301954; PubMed 16199547; PubMed 10679937; PubMed 11391482; PubMed 19810120.